The following is an entry in ClinVar:

NC_000015.10:g.84817226C>T

Gene: ALPK3 (alpha kinase 3; plus strand). Cytogenetic location: 15q25.3.
Variant type: single nucleotide variant.
Genome position: GRCh38 VCF-style: chr15-84817226-C-T. GRCh37 (hg19) VCF-style: chr15-85360457-C-T.
Identifiers: ClinVar variation 4710863 (VCV004710863.1).

ClinVar aggregate classification (germline): Uncertain significance (1 of 4 stars; one submission).

Submission:

Labcorp Genetics (formerly Invitae), Labcorp
Classification: Uncertain significance. Last evaluated: 2026-01-27. Review status: criteria provided, single submitter. Criteria: Invitae Variant Classification Sherloc (09022015). Collection method: clinical testing. Allele origin: germline.
Comment: This sequence change replaces threonine, which is neutral and polar, with isoleucine, which is neutral and non-polar, at codon 127 of the ALPK3 protein (p.Thr127Ile). This variant is not present in population databases (gnomAD no frequency). This variant has not been reported in the literature in individuals affected with ALPK3-related conditions. An algorithm developed to predict the effect of missense changes on protein structure and function (PolyPhen-2) suggests that this variant is likely to be tolerated. In summary, the available evidence is currently insufficient to determine the role of this variant in disease. Therefore, it has been classified as a Variant of Uncertain Significance.